The following is an entry in ClinVar:

ClinVar aggregate classification (germline): Conflicting classifications of pathogenicity. Review status: criteria provided, conflicting classifications (1 of 4 stars). 2 submissions from 2 submitters: Uncertain significance (1); Likely benign (1). Last evaluated 2025-10-06.

Conditions:
Hereditary cancer-predisposing syndrome. Also called: Neoplastic Syndromes, Hereditary; Tumor predisposition; Hereditary neoplastic syndrome; Hereditary Cancer Syndrome. Identifiers: Orphanet 140162, MedGen C0027672, MeSH D009386, MONDO:0015356.
Peutz-Jeghers syndrome (PJS). Also called: Peutz-Jeghers polyposis; Periorificial lentiginosis syndrome; POLYPOSIS, HAMARTOMATOUS INTESTINAL; POLYPS-AND-SPOTS SYNDROME. Identifiers: Orphanet 2869, MedGen C0031269, MeSH D010580, MONDO:0008280, OMIM 175200.

gnomAD v4.1: 1 of 1,585,558 alleles (0.000063%); highest among the groups gnomAD compares: East Asian, 0.0023%; no homozygotes.

Submissions (2):

Labcorp Genetics (formerly Invitae), Labcorp
Classification: Likely benign for Peutz-Jeghers syndrome. Last evaluated: 2025-10-06. Review status: criteria provided, single submitter. Criteria: Invitae Variant Classification Sherloc (09022015). Collection method: clinical testing. Allele origin: germline.

Ambry Genetics
Classification: Uncertain significance for Hereditary cancer-predisposing syndrome. Last evaluated: 2015-10-07. Review status: criteria provided, single submitter. Criteria: Ambry Variant Classification Scheme 2023. Collection method: clinical testing. Allele origin: germline.
Comment: The c.290+18G>T intronic alteration consists of a G to T substitution 8 nucleotides after coding exon 1 in the STK11 gene. Based on insufficient or conflicting evidence, the clinical significance of this alteration remains unclear.

NM_000455.5(STK11):c.290+18G>T

Gene: STK11 (serine/threonine kinase 11; plus strand). Cytogenetic location: 19p13.3.
Variant type: single nucleotide variant.
Coding change: c.290+18G>T on transcript NM_000455.5 (MANE Select); 18 bases into the intron after coding-DNA position 290, G replaced by T.
Molecular consequence: intron variant.
Genome position (GRCh38, 1-based): chr19:1,207,221, G>T. VCF-style: chr19-1207221-G-T. GRCh37 (hg19) VCF-style: chr19-1207220-G-T.
Other names: c.290+18G>T (NM_000455.4).
Identifiers: ClinVar variation 1553036 (VCV001553036.9), dbSNP rs757929417, ClinGen allele CA2573155843.